The following is an entry in ClinVar:

NM_206933.4(USH2A):c.13289C>G (p.Thr4430Arg)

Gene: USH2A (usherin; minus strand). Cytogenetic location: 1q41.
Variant type: single nucleotide variant.
Coding change: c.13289C>G on transcript NM_206933.4 (MANE Select); coding-DNA position 13289, C replaced by G.
Protein change: p.Thr4430Arg; replaces threonine 4430 with arginine.
Molecular consequence: missense variant.
Genome position (GRCh38, 1-based): chr1:215,674,622, G>C on the plus strand (C>G on the coding strand, the complement: USH2A is on the minus strand). VCF-style: chr1-215674622-G-C. GRCh37 (hg19) VCF-style: chr1-215847964-G-C.
Other names: short protein forms T4430R.
Identifiers: ClinVar variation 4875343 (VCV004875343.2).
Genomic context (GRCh38, chr1:215,674,622, plus strand): 5'-GGAGAGTCCATGTTCTCTGGCAGGGCCTCCATTGTCCAGGCAGATTTTGACACACTAGCT[G>C]TGCAACCTCCATTCGTGCAGGCTACAAGGGAGAAGTTATACTGAGAGTAAGGCTGCAGGT-3'
Protein context (NP_996816.3, residues 4420-4440): SLVACTNGGC[Thr4430Arg]ASVSKSAWTM

ClinVar aggregate classification (germline): Uncertain significance (1 of 4 stars; one submission).

Submission:

CeGaT Center for Human Genetics Tuebingen
Classification: Uncertain significance. Last evaluated: 2026-06-01. Review status: criteria provided, single submitter. Criteria: CeGaT Center For Human Genetics Tuebingen Variant Classification Criteria Version 2. Collection method: clinical testing. Allele origin: germline. Affected: yes. Observed: 1 variant allele.
Comment: USH2A: PM2, BP4